The following is an entry in ClinVar:

ClinVar aggregate classification (germline): Uncertain significance (1 of 4 stars; one submission).

Conditions:
Hereditary spastic paraplegia 39 (SPG39). Also called: Spastic Paraplegia Type 39 (SPG39); SPASTIC PARAPLEGIA 39, AUTOSOMAL RECESSIVE. Identifiers: Orphanet 139480, MedGen C2677586, MONDO:0012787, OMIM 612020.

Submission:

Labcorp Genetics (formerly Invitae), Labcorp
Classification: Uncertain significance for Hereditary spastic paraplegia 39. Last evaluated: 2021-08-05. Review status: criteria provided, single submitter. Criteria: Invitae Variant Classification Sherloc (09022015). Collection method: clinical testing. Allele origin: germline.
Comment: In summary, the available evidence is currently insufficient to determine the role of this variant in disease. Therefore, it has been classified as a Variant of Uncertain Significance. Experimental studies and prediction algorithms are not available or were not evaluated, and the functional significance of this variant is currently unknown. This variant has been observed in individual(s) with clinical features of hereditary spastic paraplegia (Invitae). The frequency data for this variant in the population databases is not available, as this variant may be reported as separate entries in the ExAC database. This variant, c.561_562delinsAA, is a complex sequence change that results in the substitution of 1 amino acid(s) in the PNPLA6 protein (p.Gln188Lys).

NM_001166114.2(PNPLA6):c.678_679delinsAA (p.Gln227Lys)

Gene: PNPLA6 (patatin like domain 6, lysophospholipase; plus strand). Cytogenetic location: 19p13.2.
Variant type: Indel.
Coding change: c.678_679delinsAA on transcript NM_001166114.2 (MANE Select); coding-DNA positions 678 to 679, GC replaced by AA.
Protein change: p.Gln227Lys; replaces glutamine 227 with lysine.
Molecular consequence: missense variant.
Genome position (GRCh38, 1-based): chr19:7,540,272-7,540,273, GC replaced by AA. VCF-style: chr19-7540272-GC-AA. GRCh37 (hg19) VCF-style: chr19-7605158-GC-AA.
Other names: c.705_706delinsAA, p.Gln236Lys (NM_001166111.2); c.561_562delinsAA, p.Gln188Lys (NM_001166112.2, NM_001166113.1, NM_006702.5); short protein forms Q236K, Q227K, Q188K.
Identifiers: ClinVar variation 1480856 (VCV001480856.6), dbSNP rs2146051181, ClinGen allele CA2573155907.
Genomic context (GRCh38, chr19:7,540,272, plus strand): 5'-GCTGGGCCAGGGTGACTACGTCTTCCGGCCGGGCCAGCCAGATGCCAGCATCTACGTGGT[GC>AA]AGGACGGGCTGCTGGAGCTCTGTCTGCCAGGGCCTGTGAGTGGGCCTCCCCAGGGGCTGC-3'
Protein context (NP_001159586.1, residues 217-237): GQPDASIYVV[Gln227Lys]DGLLELCLPG